The following is an entry in ClinVar:

ClinVar aggregate classification (germline): Likely benign (1 of 4 stars; one submission).

gnomAD v4.1: 30 of 1,591,874 alleles (0.0019%); highest among the groups gnomAD compares: Middle Eastern, 0.017%; no homozygotes.

Submission:

Women's Health and Genetics/Laboratory Corporation of America, LabCorp
Classification: Likely benign. Last evaluated: 2025-05-21. Review status: criteria provided, single submitter. Criteria: LabCorp Variant Classification Summary - May 2015. Collection method: clinical testing. Allele origin: germline.
Comment: Variant summary: PAX8 c.1068G>C alters a conserved nucleotide resulting in a synonymous change. Consensus agreement among computation tools predict no significant impact on normal splicing. However, these predictions have yet to be confirmed by functional studies. The variant allele was found at a frequency of 2.8e-05 in 211216 control chromosomes. The available data on variant occurrences in the general population are insufficient to allow any conclusion about variant significance. To our knowledge, no occurrence of c.1068G>C in individuals affected with Hypothyroidism, Congenital, Nongoitrous, 2 and no experimental evidence demonstrating its impact on protein function have been reported. No submitters have cited clinical-significance assessments for this variant to ClinVar. Based on the evidence outlined above, the variant was classified as likely benign.

NM_003466.4(PAX8):c.1068G>C (p.Thr356=)

Gene: PAX8 (paired box 8; minus strand). Cytogenetic location: 2q14.1.
Variant type: single nucleotide variant.
Coding change: c.1068G>C on transcript NM_003466.4 (MANE Select); coding-DNA position 1068, G replaced by C.
Protein change: p.Thr356=; no amino-acid change (threonine 356 retained).
Molecular consequence: synonymous variant. On other transcripts: missense variant (1), intron variant (2).
Genome position (GRCh38, 1-based): chr2:113,235,413, C>G on the plus strand (G>C on the coding strand, the complement: PAX8 is on the minus strand). VCF-style: chr2-113235413-C-G. GRCh37 (hg19) VCF-style: chr2-113992990-C-G.
Other names: c.989G>C, p.Arg330Pro (NM_013952.4); c.777+6138G>C (NM_013992.4, NM_013953.4); short protein forms R330P.
Identifiers: ClinVar variation 3902775 (VCV003902775.1).